The following is an entry in ClinVar:

ClinVar aggregate classification (germline): Likely benign (1 of 4 stars; one submission).

Allele frequency attached by ClinVar (database versions not stated): 1000 Genomes Project 30x 0.00031; TOPMed 0.00065.

Submission:

CeGaT Center for Human Genetics Tuebingen
Classification: Likely benign. Last evaluated: 2023-05-01. Review status: criteria provided, single submitter. Criteria: CeGaT Center For Human Genetics Tuebingen Variant Classification Criteria Version 2. Collection method: clinical testing. Allele origin: germline. Affected: yes. Observed: 4 variant alleles.
Comment: ZEB2: BS1

NM_014795.4(ZEB2):c.*1992T>C

Gene: ZEB2 (zinc finger E-box binding homeobox 2; minus strand). Cytogenetic location: 2q22.3.
Variant type: single nucleotide variant.
Coding change: c.*1992T>C on transcript NM_014795.4 (MANE Select); 1992 bases downstream of the stop codon, T replaced by C.
Molecular consequence: 3 prime UTR variant.
Genome position (GRCh38, 1-based): chr2:144,387,459, A>G on the plus strand (T>C on the coding strand, the complement: ZEB2 is on the minus strand). VCF-style: chr2-144387459-A-G. GRCh37 (hg19) VCF-style: chr2-145145026-A-G.
Other names: c.*1992T>C (NM_001171653.2).
Identifiers: ClinVar variation 1694966 (VCV001694966.31), dbSNP rs558354594, ClinGen allele CA10612224.